The following is an entry in ClinVar:

ClinVar aggregate classification (germline): Likely benign (0 of 4 stars; one submission).

Conditions:
APBA2-related disorder. Also called: APBA2-related condition.

Allele frequency attached by ClinVar (database versions not stated): gnomAD 0.00003; 1000 Genomes Project 0.00020; 1000 Genomes Project 30x 0.00031.
gnomAD v4.1: 57 of 1,614,054 alleles (0.0035%); highest among the groups gnomAD compares: Middle Eastern, 0.016%; no homozygotes.

Submission:

PreventionGenetics, part of Exact Sciences
Classification: Likely benign for APBA2-related condition. Last evaluated: 2019-02-20. Review status: no assertion criteria provided. Collection method: clinical testing. Allele origin: germline.
Comment: This variant is classified as likely benign based on ACMG/AMP sequence variant interpretation guidelines (Richards et al. 2015 PMID: 25741868, with internal and published modifications).

NM_001353788.2(APBA2):c.426G>A (p.Thr142=)

Gene: APBA2 (amyloid beta precursor protein binding family A member 2; plus strand). Cytogenetic location: 15q13.1.
Variant type: single nucleotide variant.
Coding change: c.426G>A on transcript NM_001353788.2 (MANE Select); coding-DNA position 426, G replaced by A.
Protein change: p.Thr142=; no amino-acid change (threonine 142 retained).
Molecular consequence: synonymous variant.
Genome position (GRCh38, 1-based): chr15:29,054,310, G>A. VCF-style: chr15-29054310-G-A. GRCh37 (hg19) VCF-style: chr15-29346513-G-A.
Other names: c.426G>A, p.Thr142= (NM_001130414.1, NM_001353789.2, NM_001353790.2 and 7 more transcripts).
Identifiers: ClinVar variation 3046633 (VCV003046633.2), dbSNP rs201879619, ClinGen allele CA7445097.
Genomic context (GRCh38, chr15:29,054,310, plus strand): 5'-GGCCCACAGTGCACACCCTGTGGACACTGATGAGTGCCAGGAGGCGGTGGAGGAGTGGAC[G>A]GACTCGGCGGGCCCGCACCCCCACGGCCACGAGGCTGAAGGCAGCCAGGACTACCCAGAC-3'
Protein context (NP_001340717.1, residues 132-152): DECQEAVEEW[Thr142=]DSAGPHPHGH